The following is an entry in ClinVar:

NM_006361.6(HOXB13):c.408C>T (p.Thr136=)

Gene: HOXB13 (homeobox B13; minus strand). Cytogenetic location: 17q21.32.
Variant type: single nucleotide variant.
Coding change: c.408C>T on transcript NM_006361.6 (MANE Select); coding-DNA position 408, C replaced by T.
Protein change: p.Thr136=; no amino-acid change (threonine 136 retained).
Molecular consequence: synonymous variant.
Genome position (GRCh38, 1-based): chr17:48,728,186, G>A on the plus strand (C>T on the coding strand, the complement: HOXB13 is on the minus strand). VCF-style: chr17-48728186-G-A. GRCh37 (hg19) VCF-style: chr17-46805548-G-A.
Identifiers: ClinVar variation 1085590 (VCV001085590.12), dbSNP rs781228991, ClinGen allele CA8633992.

ClinVar aggregate classification (germline): Benign/Likely benign. Review status: criteria provided, multiple submitters, no conflicts (2 of 4 stars). 3 submissions from 3 submitters: Benign (1); Likely benign (2). Last evaluated 2025-10-07.

Conditions:
Prostate cancer, hereditary, 9 (HPC9). Identifiers: Orphanet 1331, MedGen C1970250, MONDO:0012597, OMIM 610997.
Hereditary cancer-predisposing syndrome. Also called: Hereditary Cancer Syndrome; Neoplastic Syndromes, Hereditary; Tumor predisposition; Hereditary neoplastic syndrome. Identifiers: Orphanet 140162, MedGen C0027672, MeSH D009386, MONDO:0015356.

Allele frequency attached by ClinVar (database versions not stated): TOPMed below 0.00001; ExAC 0.00001; gnomAD 0.00001; gnomAD exomes 0.00001.

Submissions (3):

Labcorp Genetics (formerly Invitae), Labcorp
Classification: Likely benign. Last evaluated: 2025-10-07. Review status: criteria provided, single submitter. Criteria: Invitae Variant Classification Sherloc (09022015). Collection method: clinical testing. Allele origin: germline.

Myriad Genetics, Inc.
Classification: Benign for Prostate cancer, hereditary, 9. Last evaluated: 2024-10-29. Review status: criteria provided, single submitter. Criteria: Myriad Autosomal Dominant, Autosomal Recessive and X-Linked Classification Criteria (2023). Collection method: clinical testing. Allele origin: unknown.
Comment: This variant is considered benign. This variant is a silent/synonymous amino acid change and it is not expected to impact splicing.

Ambry Genetics
Classification: Likely benign for Hereditary cancer-predisposing syndrome. Last evaluated: 2022-07-25. Review status: criteria provided, single submitter. Criteria: Ambry Variant Classification Scheme 2023. Collection method: clinical testing. Allele origin: germline.